The following is an entry in ClinVar:

ClinVar aggregate classification (germline): Conflicting classifications of pathogenicity. Review status: criteria provided, conflicting classifications (1 of 4 stars). 2 submissions from 2 submitters: Likely pathogenic (1); Uncertain significance (1). Last evaluated 2025-07-10.

Conditions:
Histiocytic medullary reticulosis. Also called: SEVERE COMBINED IMMUNODEFICIENCY WITH HYPEREOSINOPHILIA; Omenn syndrome. Identifiers: Orphanet 39041, MedGen C2700553, MONDO:0011338, OMIM 603554.
Severe combined immunodeficiency due to DCLRE1C deficiency (RS-SCID). Also called: SCID, AUTOSOMAL RECESSIVE, T CELL-NEGATIVE, B CELL-NEGATIVE, NK CELL-POSITIVE, WITH SENSITIVITY TO IONIZING RADIATION. Identifiers: Orphanet 275, MedGen C1865371, MONDO:0011225, OMIM 602450.

Allele frequency attached by ClinVar (database versions not stated): gnomAD exomes below 0.00001; ExAC 0.00001.

Submissions (2):

Labcorp Genetics (formerly Invitae), Labcorp
Classification: Uncertain significance for Athabaskan severe combined immunodeficiency. Last evaluated: 2025-07-10. Review status: criteria provided, single submitter. Criteria: Invitae Variant Classification Sherloc (09022015). Collection method: clinical testing. Allele origin: germline.
Comment: This sequence change creates a premature translational stop signal (p.Asp569Glufs*9) in the DCLRE1C gene. While this is not anticipated to result in nonsense mediated decay, it is expected to disrupt the last 124 amino acid(s) of the DCLRE1C protein. This variant is present in population databases (rs752450605, gnomAD 0.002%). This variant has not been reported in the literature in individuals affected with DCLRE1C-related conditions. ClinVar contains an entry for this variant (Variation ID: 3241284). Experimental studies and prediction algorithms are not available or were not evaluated, and the functional significance of this variant is currently unknown. In summary, the available evidence is currently insufficient to determine the role of this variant in disease. Therefore, it has been classified as a Variant of Uncertain Significance.

Baylor Genetics
Classification: Likely pathogenic for Histiocytic medullary reticulosis. Last evaluated: 2024-03-03. Review status: criteria provided, single submitter. Criteria: ACMG Guidelines, 2015. Collection method: clinical testing. Allele origin: unknown.

NM_001033855.3(DCLRE1C):c.1706dup (p.Asp569fs)

Gene: DCLRE1C (DNA cross-link repair 1C; minus strand). Cytogenetic location: 10p13.
Variant type: Duplication.
Coding change: c.1706dup on transcript NM_001033855.3 (MANE Select); coding-DNA position 1706, one base duplicated (A; older notation c.1706dupA).
Protein change: p.Asp569fs; shifts the reading frame from aspartic acid 569.
Molecular consequence: frameshift variant. On other transcripts: non-coding transcript variant (4).
Genome position (GRCh38, 1-based): chr10:14,908,781, T duplicated on the plus strand (A on the coding strand, the reverse complement: DCLRE1C is on the minus strand). VCF-style (leftmost placement, unchanged base first): chr10-14908780-A-AT. GRCh37 (hg19) VCF-style: chr10-14950779-A-AT.
Other names: c.1346dup, p.Asp449fs (NM_001033857.3, NM_001033858.3, NM_001289077.2 and 2 more transcripts); c.1361dup, p.Asp454fs (NM_001289076.2, NM_001289078.2, NM_001350966.2 and 1 more transcripts); c.1706dup, p.Asp569fs (NM_001350965.2); short protein forms D449fs, D454fs, D569fs.
Identifiers: ClinVar variation 3241284 (VCV003241284.2), dbSNP rs752450605.
Genomic context (GRCh38, chr10:14,908,780, plus strand): 5'-AGAGGCAGGAATATTCTCTTTGATTGTTGGTCTGTAGTCAGCTTTGTCCAAGGAAGTAAT[A>AT]TCCCCACTGTTTCTCTCTTGGGAAGATAACAAAACAGTATCAGATTGGCTGTCCCAGCCT-3'